The following is an entry in ClinVar:

NM_014712.3(SETD1A):c.3643G>A (p.Ala1215Thr)

Gene: SETD1A (SET domain containing 1A, histone lysine methyltransferase; plus strand). Cytogenetic location: 16p11.2.
Variant type: single nucleotide variant.
Coding change: c.3643G>A on transcript NM_014712.3 (MANE Select); coding-DNA position 3643, G replaced by A.
Protein change: p.Ala1215Thr; replaces alanine 1215 with threonine.
Molecular consequence: missense variant.
Genome position (GRCh38, 1-based): chr16:30,979,429, G>A. VCF-style: chr16-30979429-G-A. GRCh37 (hg19) VCF-style: chr16-30990750-G-A.
Other names: c.3643G>A (NM_014712.2); short protein forms A1215T.
Identifiers: ClinVar variation 3777171 (VCV003777171.1).

ClinVar aggregate classification (germline): Uncertain significance (1 of 4 stars; one submission).

Conditions:
Neurodevelopmental disorder with speech impairment and dysmorphic facies. Identifiers: MedGen C5436699, MONDO:0033630, OMIM 619056.
Epilepsy, early-onset, with or without developmental delay. Identifiers: MedGen C5882670, MONDO:0030005, OMIM 618832.

gnomAD v4.1: 3 of 1,609,098 alleles (0.00019%); highest among the groups gnomAD compares: Admixed American, 0.0017%; no homozygotes.

Submission:

University of Washington Department of Laboratory Medicine, University of Washington
Classification: Uncertain significance for Neurodevelopmental disorder with speech impairment and dysmorphic facies; Epilepsy, early-onset, with or without developmental delay. Last evaluated: 2022-05-09. Review status: criteria provided, single submitter. Criteria: ACMG Guidelines, 2015. Collection method: clinical testing. Allele origin: paternal. Affected: yes.
Comment: The p.Ala1215Thr variant in the SETD1A gene has has not been previously reported in association with disease. This variant has been identified in 1/230,146 chromosomes by the Genome Aggregation Database. A majority of in silico tools predict that this variant is deleterious; however, these predictions have not been tested directly. Using ACMG guidelines, this variant was classified as a variant of uncertain significance (ACMG evidence codes used: PM2_supporting, PP3).